The following is an entry in ClinVar:

ClinVar aggregate classification (germline): Uncertain significance (1 of 4 stars; one submission).

Conditions:
Malignant hyperthermia, susceptibility to, 5 (MHS5). Also called: CACNA1S-Related Malignant Hyperthermia Susceptibility. Identifiers: Orphanet 423, MedGen C1866077, MONDO:0011163, OMIM 601887.

Submission:

All of Us Research Program, National Institutes of Health
Classification: Uncertain significance for Malignant hyperthermia, susceptibility to, 5. Last evaluated: 2024-05-14. Review status: criteria provided, single submitter. Criteria: ACMG Guidelines, 2015. Collection method: clinical testing. Allele origin: germline. Inheritance: Autosomal dominant inheritance. Observed: 1 variant allele, 1 heterozygote.
Comment: This variant changes 1 nucleotide in exon 40 of the CACNA1S gene, creating a premature translation stop signal. This variant is expected to result in an absent or non-functional protein product. To our knowledge, this variant has not been reported in individuals affected with CACNA1S-related disorders in the literature. Loss of CACNA1S function due to truncation variants is not an established disease mechanism for autosomal dominant malignant hyperthermia. This variant has not been identified in the general population by the Genome Aggregation Database (gnomAD). Due to insufficient evidence, this variant is classified as a Variant of Uncertain Significance for autosomal dominant malignant hyperthermia.

This study involves interpretation of variants in research participants for the purpose of population health screening. Participant phenotype was not available at the time of variant classification. Additional details can be found in publication PMID: 35346344, PMCID: PMC8962531

NM_000069.3(CACNA1S):c.4945C>T (p.Gln1649Ter)

Gene: CACNA1S (calcium voltage-gated channel subunit alpha1 S; minus strand). Cytogenetic location: 1q32.1.
Variant type: single nucleotide variant.
Coding change: c.4945C>T on transcript NM_000069.3 (MANE Select); coding-DNA position 4945, C replaced by T.
Protein change: p.Gln1649Ter; replaces glutamine 1649 with a stop codon.
Molecular consequence: nonsense.
Genome position (GRCh38, 1-based): chr1:201,043,384, G>A on the plus strand (C>T on the coding strand, the complement: CACNA1S is on the minus strand). VCF-style: chr1-201043384-G-A. GRCh37 (hg19) VCF-style: chr1-201012512-G-A.
Other names: short protein forms Q1649*.
Identifiers: ClinVar variation 3386284 (VCV003386284.1).
Genomic context (GRCh38, chr1:201,043,384, plus strand): 5'-CGACATTGGCGTTGGCATTGTTGGTATTGGCACGAGCCAGGGGGTTGGTGCGTGGATCTT[G>A]TGGGAAGTCCTCCAAGAAGACAGGTGACTCCATCTCTTCCATCTCTATCTCAGCAAACTG-3'